The following is an entry in ClinVar:

ClinVar aggregate classification (germline): Conflicting classifications of pathogenicity. Review status: criteria provided, conflicting classifications (1 of 4 stars). 11 submissions from 11 submitters: Uncertain significance (3); Likely benign (6). 2 of the submissions do not count toward it. Last evaluated 2026-01-06.

Conditions:
Hereditary cancer-predisposing syndrome. Also called: Tumor predisposition; Hereditary neoplastic syndrome; Neoplastic Syndromes, Hereditary; Hereditary Cancer Syndrome. Identifiers: Orphanet 140162, MedGen C0027672, MeSH D009386, MONDO:0015356.
Hereditary breast ovarian cancer syndrome. Also called: Hereditary breast and ovarian cancer syndrome; Hereditary breast and ovarian cancer; Hereditary breast and ovarian cancer syndrome (HBOC); Breast and ovarian cancer; BRCA1- and BRCA2-Associated Hereditary Breast and Ovarian Cancer; Hereditary breast and/or ovarian cancer syndrome. Identifiers: Orphanet 145, MedGen C0677776, MeSH D061325, MONDO:0003582. Disease mechanism: loss of function.
Breast-ovarian cancer, familial, susceptibility to, 2 (BROVCA2). Also called: BRCA2 Hereditary Breast and Ovarian Cancer. Identifiers: Orphanet 145, MedGen C2675520, MONDO:0012933, OMIM 612555. Disease mechanism: loss of function.
Malignant tumor of breast. Also called: Malignant breast neoplasm; Cancer breast. Identifiers: MedGen C0006142, MONDO:0007254. Disease mechanism: loss of function.

Allele frequency attached by ClinVar (database versions not stated): gnomAD below 0.00001 and 0.00001; gnomAD exomes 0.00003 and 0.00004; ExAC 0.00006.
gnomAD v4.1: 41 of 1,611,744 alleles (0.0025%); highest among the groups gnomAD compares: South Asian, 0.043%; no homozygotes.

Submissions (11):

Labcorp Genetics (formerly Invitae), Labcorp
Classification: Likely benign for Hereditary breast ovarian cancer syndrome. Last evaluated: 2026-01-06. Review status: criteria provided, single submitter. Criteria: Invitae Variant Classification Sherloc (09022015). Collection method: clinical testing. Allele origin: germline.

Quest Diagnostics Nichols Institute San Juan Capistrano
Classification: Uncertain significance. Last evaluated: 2025-05-19. Review status: criteria provided, single submitter. Criteria: Quest Diagnostics criteria. Collection method: clinical testing. Allele origin: unknown.
Comment: The BRCA2 c.2892A>T (p.Lys964Asn) variant has been reported in the published literature in individuals with breast cancer (PMID: 22486713 (2012), 29470806 (2018), 33471991 (2021), see also LOVD) and pancreatic cancer (PMID: 31391296 (2020)). This variant has also been identified in a reportedly unaffected individual (PMID: 33471991 (2021), see also LOVD) and has been reported to be located in a region of the BRCA2 gene that is tolerant to missense sequence changes (PMID: 31911673 (2020)). The frequency of this variant in the general population (Genome Aggregation Database) is uninformative in the assessment of its pathogenicity. Analysis of this variant using bioinformatics tools for the prediction of the effect of amino acid changes on protein structure and function yielded predictions that this variant is benign. Based on the available information, we are unable to determine the clinical significance of this variant.

Color Diagnostics, LLC DBA Color Health
Classification: Likely benign for Hereditary cancer-predisposing syndrome. Last evaluated: 2024-08-07. Review status: criteria provided, single submitter. Criteria: ACMG Guidelines, 2015. Collection method: clinical testing. Allele origin: germline.

All of Us Research Program, National Institutes of Health
Classification: Uncertain significance for Breast-ovarian cancer, familial, susceptibility to, 2. Last evaluated: 2023-11-20. Review status: criteria provided, single submitter. Criteria: ACMG Guidelines, 2015. Collection method: clinical testing. Allele origin: germline. Inheritance: Autosomal dominant inheritance. Observed: 4 variant alleles, 4 heterozygotes.
Comment: This missense variant replaces lysine with asparagine at codon 964 of the BRCA2 protein. Computational prediction suggests that this variant may not impact protein structure and function (internally defined REVEL score threshold <= 0.5, PMID: 27666373). To our knowledge, functional studies have not been reported for this variant. This variant has been reported in four individuals affected with breast and/or ovarian cancer and in one unaffected individual (PMID: 19656415, 22486713, 33471991; Leiden Open Variation Database DB-ID BRCA2_001406, 33552952). This variant has also been observed together with a pathogenic variant in the same gene in an individual affected with metastatic pancreatic cancer (PMID: 36359225, 31391296). This variant has been identified in 11/248436 chromosomes in the general population by the Genome Aggregation Database (gnomAD). The available evidence is insufficient to determine the role of this variant in disease conclusively. Therefore, this variant is classified as a Variant of Uncertain Significance.

This study involves interpretation of variants in research participants for the purpose of population health screening. Participant phenotype was not available at the time of variant classification. Additional details can be found in publication PMID: 35346344, PMCID: PMC8962531

University of Washington Department of Laboratory Medicine, University of Washington
Classification: Likely benign for Hereditary cancer-predisposing syndrome. Last evaluated: 2023-03-23. Review status: criteria provided, single submitter. Criteria: Dines et al. (Genet Med. 2020). Collection method: curation. Allele origin: germline.
Comment: Missense variant in a coldspot region where missense variants are very unlikely to be pathogenic (PMID:31911673).

BRCA2 exon 11 coldspot. Reclassification based on statistical prior probability.

Myriad Genetics, Inc.
Classification: Likely benign for Breast-ovarian cancer, familial, susceptibility to, 2. Last evaluated: 2023-02-14. Review status: criteria provided, single submitter. Criteria: Myriad Autosomal Dominant, Autosomal Recessive and X-Linked Classification Criteria (2023). Collection method: clinical testing. Allele origin: unknown.
Comment: This variant is considered likely benign. This variant has been observed in conjunction with multiple pathogenic variants, reducing the likelihood this variant itself is pathogenic.

Women's Health and Genetics/Laboratory Corporation of America, LabCorp
Classification: Uncertain significance. Last evaluated: 2023-02-06. Review status: criteria provided, single submitter. Criteria: LabCorp Variant Classification Summary - May 2015. Collection method: clinical testing. Allele origin: germline.
Comment: Variant summary: BRCA2 c.2892A>T (p.Lys964Asn) results in a non-conservative amino acid change in the encoded protein sequence. Three of five in-silico tools predict a benign effect of the variant on protein function. The variant allele was found at a frequency of 4.4e-05 in 248606 control chromosomes, predominantly at a frequency of 0.00037 within the South Asian subpopulation in the gnomAD database. This frequency is not significantly higher than expected for a pathogenic variant in BRCA2 causing Hereditary Breast And Ovarian Cancer Syndrome (4.4e-05 vs 0.00075), allowing no conclusion about variant significance. c.2892A>T has been reported in the literature in individuals affected with cancer (Ahmad_2012, Bisgin_2022, Borazanci_2020, Kadri_2020, Singh_2018, Soumittra_2009). These reports do not provide unequivocal conclusions about association of the variant with Hereditary Breast And Ovarian Cancer Syndrome. At least one co-occurrence with another pathogenic variant has been reported (BRCA2 c.3362C>G, p.Ser1121Ter, Borazanci_2020), providing supporting evidence for a benign role. To our knowledge, no experimental evidence demonstrating an impact on protein function has been reported. Five submitters have provided clinical-significance assessments for this variant to ClinVar after 2014, and classified the variant as uncertain significance (n=3) or likely benign (n=2). Based on the evidence outlined above, the variant was classified as VUS-possibly benign.

Ambry Genetics
Classification: Likely benign for Hereditary cancer-predisposing syndrome. Last evaluated: 2021-04-08. Review status: criteria provided, single submitter. Criteria: Ambry Variant Classification Scheme 2023. Collection method: clinical testing. Allele origin: germline.

GeneDx
Classification: Likely benign. Last evaluated: 2017-01-23. Review status: criteria provided, single submitter. Criteria: GeneDx Variant Classification Process June 2021. Collection method: clinical testing. Allele origin: germline. Affected: yes.
Comment: This variant is associated with the following publications: (PMID: 24728327, 19656415, 22486713, 29470806)

ITMI
No classification provided. Condition: AllHighlyPenetrant. Last evaluated: 2013-09-19. Review status: no classification provided. Collection method: reference population. Allele origin: germline. Not counted in ClinVar's aggregate classification.
Comment: Please see associated publication for description of ethnicities

Department of Pathology and Laboratory Medicine, Sinai Health System
Classification: Uncertain significance for Malignant tumor of breast. Review status: no assertion criteria provided. Collection method: clinical testing. Allele origin: unknown. Affected: yes. Observed: 1 variant allele. Study: The Canadian Open Genetics Repository (COGR). Not counted in ClinVar's aggregate classification.
Comment: The BRCA2 p.Lys964Asn variant was identified in 1 of 182 proband chromosomes (frequency: 0.005) from individuals or families with breast or ovarian cancer (Soumittra 2009), and was also identified in the ClinVar database (submitted by Inova Translational Medicine Institute, no classification provided). The BRCA2 p.Lys964Asn variant was not identified in the dbSNP, NHLBI Exome Sequencing Project (Exome Variant Server), HGMD, LOVD, COSMIC, UMD, or BIC databases. The p.Lys964 residue is not conserved in mammals and computational analyses (PolyPhen-2, SIFT, AlignGVGD, BLOSUM, MutationTaster) do not suggest a high likelihood of impact to the protein. The variant occurs outside of the splicing consensus sequence and in silico or computational prediction software programs (SpliceSiteFinder, MaxEntScan, NNSPLICE, GeneSplicer, HumanSpliceFinder) do not predict a difference in splicing. However, this information is not predictive enough to rule out pathogenicity. In summary, based on the above information, the clinical significance of this variant cannot be determined with certainty at this time. This variant is classified as a variant of unknown significance.

Literature cited by the submitters: PubMed 33471991 (cited by 3 submitters); PubMed 35753294 (cited by Quest Diagnostics Nichols Institute San Juan Capistrano and Women's Health and Genetics/Laboratory Corporation of America, LabCorp); PubMed 31911673 (cited by Quest Diagnostics Nichols Institute San Juan Capistrano); PubMed 29470806 (cited by 3 submitters); PubMed 31391296 (cited by 4 submitters); PubMed 33552952 (cited by Quest Diagnostics Nichols Institute San Juan Capistrano and Women's Health and Genetics/Laboratory Corporation of America, LabCorp); PubMed 24728327 (cited by 4 submitters); PubMed 22486713 (cited by 4 submitters); PubMed 19656415 (cited by 4 submitters); PubMed 14507240 (cited by Quest Diagnostics Nichols Institute San Juan Capistrano); PubMed 26295337 (cited by Quest Diagnostics Nichols Institute San Juan Capistrano); PubMed 36359225 (cited by All of Us Research Program, National Institutes of Health).

NM_000059.4(BRCA2):c.2892A>T (p.Lys964Asn)

Gene: BRCA2 (BRCA2 DNA repair associated; plus strand). Cytogenetic location: 13q13.1.
Variant type: single nucleotide variant.
Coding change: c.2892A>T on transcript NM_000059.4 (MANE Select); coding-DNA position 2892, A replaced by T.
Protein change: p.Lys964Asn; replaces lysine 964 with asparagine.
Molecular consequence: missense variant.
Genome position (GRCh38, 1-based): chr13:32,337,247, A>T. VCF-style: chr13-32337247-A-T. GRCh37 (hg19) VCF-style: chr13-32911384-A-T.
Other names: short protein forms K964N.
Identifiers: ClinVar variation 133728 (VCV000133728.30), dbSNP rs587778119, ClinGen allele CA016692.